The following is an entry in ClinVar:

ClinVar aggregate classification (germline): Pathogenic (1 of 4 stars; one submission).

Conditions:
Joubert syndrome 23 (JBTS23). Identifiers: Orphanet 475, MedGen C4084822, MONDO:0014664, OMIM 616490.
Short-rib thoracic dysplasia 14 with polydactyly (SRTD14). Identifiers: Orphanet 397715, MedGen C4225286, MONDO:0014688, OMIM 616546.

Submission:

Labcorp Genetics (formerly Invitae), Labcorp
Classification: Pathogenic for Joubert syndrome 23; Short-rib thoracic dysplasia 14 with polydactyly. Last evaluated: 2022-02-11. Review status: criteria provided, single submitter. Criteria: Invitae Variant Classification Sherloc (09022015). Collection method: clinical testing. Allele origin: germline.
Comment: This variant has not been reported in the literature in individuals affected with KIAA0586-related conditions. This variant is a gross deletion of the genomic region encompassing exon(s) 15-16 of the KIAA0586 gene. This deletion is out-of-frame, and is expected to create a premature termination codon and result in an absent or disrupted protein product. Loss-of-function variants in KIAA0586 are known to be pathogenic (PMID: 26096313, 26166481, 26386044). For these reasons, this variant has been classified as Pathogenic.

Literature cited by the submitters: PubMed 26096313; PubMed 26166481; PubMed 26386044.

NC_000014.8:g.(?_58926541)_(58927898_?)del

Gene: KIAA0586 (KIAA0586; plus strand). Cytogenetic location: 14q23.1.
Variant type: Deletion.
Identifiers: ClinVar variation 2424012 (VCV002424012.4).